The following is an entry in ClinVar:

ClinVar aggregate classification (germline): Uncertain significance (1 of 4 stars; one submission).

Submission:

GeneDx
Classification: Uncertain significance. Last evaluated: 2022-03-25. Review status: criteria provided, single submitter. Criteria: GeneDx Variant Classification Process June 2021. Collection method: clinical testing. Allele origin: germline. Affected: yes.
Comment: Not observed at significant frequency in large population cohorts (gnomAD); Nonsense variant predicted to result in protein truncation or nonsense mediated decay in a gene or region of a gene for which loss of function is not a well-established mechanism of disease; Has not been previously published as pathogenic or benign to our knowledge

NM_001376.5(DYNC1H1):c.400C>T (p.Gln134Ter)

Gene: DYNC1H1 (dynein cytoplasmic 1 heavy chain 1; plus strand). Cytogenetic location: 14q32.31.
Variant type: single nucleotide variant.
Coding change: c.400C>T on transcript NM_001376.5 (MANE Select); coding-DNA position 400, C replaced by T.
Protein change: p.Gln134Ter; replaces glutamine 134 with a stop codon.
Molecular consequence: nonsense.
Genome position (GRCh38, 1-based): chr14:101,979,374, C>T. VCF-style: chr14-101979374-C-T. GRCh37 (hg19) VCF-style: chr14-102445711-C-T.
Other names: short protein forms Q134*.
Identifiers: ClinVar variation 1707015 (VCV001707015.2), dbSNP rs2503677937, ClinGen allele CA391007426.